The following is an entry in ClinVar:

NM_001035.3(RYR2):c.3248A>G (p.Glu1083Gly)

Gene: RYR2 (ryanodine receptor 2; plus strand). Cytogenetic location: 1q43.
Variant type: single nucleotide variant.
Coding change: c.3248A>G on transcript NM_001035.3 (MANE Select); coding-DNA position 3248, A replaced by G.
Protein change: p.Glu1083Gly; replaces glutamic acid 1083 with glycine.
Molecular consequence: missense variant.
Genome position (GRCh38, 1-based): chr1:237,566,600, A>G. VCF-style: chr1-237566600-A-G. GRCh37 (hg19) VCF-style: chr1-237729900-A-G.
Other names: short protein forms E1083G.
Identifiers: ClinVar variation 2887888 (VCV002887888.5), dbSNP rs1363990917, ClinGen allele CA345397932.

ClinVar aggregate classification (germline): Conflicting classifications of pathogenicity. Review status: criteria provided, conflicting classifications (1 of 4 stars). 3 submissions from 3 submitters: Uncertain significance (1); Likely benign (2). Last evaluated 2025-12-03.

Conditions:
Catecholaminergic polymorphic ventricular tachycardia 1. Also called: VENTRICULAR TACHYCARDIA, CATECHOLAMINERGIC POLYMORPHIC, 1, WITH OR WITHOUT ATRIAL DYSFUNCTION AND/OR DILATED CARDIOMYOPATHY; RYR2-Related Catecholaminergic Polymorphic Ventricular Tachycardia; VENTRICULAR TACHYCARDIA, STRESS-INDUCED POLYMORPHIC 1. Identifiers: Orphanet 3286, MedGen C1631597, MONDO:0011484, OMIM 604772.
Cardiomyopathy (CMYO). Also called: Cardiomyopathies. Identifiers: Orphanet 167848, MedGen C0878544, MONDO:0004994, HP:0001638. Inheritance: Various modes of inheritance.

Allele frequency attached by ClinVar (database versions not stated): TOPMed 0.00001; gnomAD 0.00002; gnomAD exomes 0.00002.

Submissions (3):

Labcorp Genetics (formerly Invitae), Labcorp
Classification: Likely benign for Catecholaminergic polymorphic ventricular tachycardia 1. Last evaluated: 2025-12-03. Review status: criteria provided, single submitter. Criteria: Invitae Variant Classification Sherloc (09022015). Collection method: clinical testing. Allele origin: germline.

Color Diagnostics, LLC DBA Color Health
Classification: Uncertain significance for Cardiomyopathy. Last evaluated: 2025-06-12. Review status: criteria provided, single submitter. Criteria: ACMG Guidelines, 2015. Collection method: clinical testing. Allele origin: germline.
Comment: This missense variant replaces glutamic acid with glycine at codon 1083 of the RYR2 protein. Computational prediction suggests that this variant may have a deleterious impact on protein structure and function. To our knowledge, functional studies have not been reported for this variant. This variant has been reported in an individual affected with West syndrome, a form of early infantile epileptic encephalopathy (PMID: 29667327). This variant has been identified in 2/280424 chromosomes in the general population by the Genome Aggregation Database (gnomAD). The available evidence is insufficient to determine the role of this variant in disease conclusively. Therefore, this variant is classified as a Variant of Uncertain Significance.

Blueprint Genetics
Classification: Likely benign. Last evaluated: 2023-08-04. Review status: criteria provided, single submitter. Criteria: ACMG Guidelines, 2015. Collection method: clinical testing. Allele origin: germline.

Literature cited by the submitters: PubMed 29667327 (cited by Color Diagnostics, LLC DBA Color Health).